The following is an entry in ClinVar:

ClinVar aggregate classification (germline): Uncertain significance (1 of 4 stars; one submission).

Allele frequency attached by ClinVar (database versions not stated): gnomAD exomes below 0.00001 and 0.00001; ExAC 0.00001.
gnomAD v4.1: 3 of 1,614,144 alleles (0.00019%); highest among the groups gnomAD compares: African/African-American, 0.0027%; no homozygotes.

Submission:

Labcorp Genetics (formerly Invitae), Labcorp
Classification: Uncertain significance. Last evaluated: 2024-02-17. Review status: criteria provided, single submitter. Criteria: Invitae Variant Classification Sherloc (09022015). Collection method: clinical testing. Allele origin: germline.
Comment: This sequence change replaces valine, which is neutral and non-polar, with methionine, which is neutral and non-polar, at codon 406 of the DUOX2 protein (p.Val406Met). This variant is present in population databases (rs778893675, gnomAD 0.007%). This variant has not been reported in the literature in individuals affected with DUOX2-related conditions. ClinVar contains an entry for this variant (Variation ID: 1476803). Advanced modeling of protein sequence and biophysical properties (such as structural, functional, and spatial information, amino acid conservation, physicochemical variation, residue mobility, and thermodynamic stability) performed at Invitae indicates that this missense variant is not expected to disrupt DUOX2 protein function with a negative predictive value of 80%. In summary, the available evidence is currently insufficient to determine the role of this variant in disease. Therefore, it has been classified as a Variant of Uncertain Significance.

NM_001363711.2(DUOX2):c.1216G>A (p.Val406Met)

Gene: DUOX2 (dual oxidase 2; minus strand). Cytogenetic location: 15q21.1.
Variant type: single nucleotide variant.
Coding change: c.1216G>A on transcript NM_001363711.2 (MANE Select); coding-DNA position 1216, G replaced by A.
Protein change: p.Val406Met; replaces valine 406 with methionine.
Molecular consequence: missense variant.
Genome position (GRCh38, 1-based): chr15:45,109,542, C>T on the plus strand (G>A on the coding strand, the complement: DUOX2 is on the minus strand). VCF-style: chr15-45109542-C-T. GRCh37 (hg19) VCF-style: chr15-45401740-C-T.
Other names: c.1216G>A, p.Val406Met (NM_014080.5); short protein forms V406M.
Identifiers: ClinVar variation 1476803 (VCV001476803.7), dbSNP rs778893675, ClinGen allele CA7538699.